The following is an entry in ClinVar:

ClinVar aggregate classification (germline): Uncertain significance (1 of 4 stars; one submission).

Allele frequency attached by ClinVar (database versions not stated): gnomAD exomes below 0.00001.
gnomAD v4.1: 1 of 1,186,642 alleles (0.000084%); highest among the groups gnomAD compares: Non-Finnish European, 0.00011%; no homozygotes.

Submission:

HudsonAlpha Institute for Biotechnology
Classification: Uncertain significance. Last evaluated: 2021-02-19. Review status: criteria provided, single submitter. Criteria: ACMG Guidelines, 2015. Collection method: research. Allele origin: maternal. Observed: 1 variant allele. Study: CSER-SouthSeq.
Comment: ACMG codes:PM2, PP3

NM_001282874.2(SMARCA1):c.1874A>G (p.Asp625Gly)

Gene: SMARCA1 (SNF2 related chromatin remodeling ATPase 1; minus strand). Cytogenetic location: Xq25.
Variant type: single nucleotide variant.
Coding change: c.1874A>G on transcript NM_001282874.2 (MANE Select); coding-DNA position 1874, A replaced by G.
Protein change: p.Asp625Gly; replaces aspartic acid 625 with glycine.
Molecular consequence: missense variant.
Genome position (GRCh38, 1-based): chrX:129,490,134, T>C on the plus strand (A>G on the coding strand, the complement: SMARCA1 is on the minus strand). VCF-style: chrX-129490134-T-C. GRCh37 (hg19) VCF-style: chrX-128624111-T-C.
Other names: c.1838A>G, p.Asp613Gly (NM_001282875.2, NM_001378262.1, NM_001378263.1 and 1 more transcripts); c.1874A>G, p.Asp625Gly (NM_001378261.1, NM_003069.5); short protein forms D613G, D625G.
Identifiers: ClinVar variation 998172 (VCV000998172.1), dbSNP rs1934065144, ClinGen allele CA414545756.